The following is an entry in ClinVar:

ClinVar aggregate classification (germline): Uncertain significance. Review status: criteria provided, multiple submitters, no conflicts (2 of 4 stars). 3 submissions from 3 submitters: Uncertain significance (3). Last evaluated 2025-12-11.

Conditions:
Ullrich congenital muscular dystrophy 2 (UCMD2). Identifiers: Orphanet 75840, MedGen C4225314, MONDO:0014654, OMIM 616470.
Bethlem myopathy 2 (BTHLM2). Identifiers: Orphanet 536516, Orphanet 610, MedGen C4225313, MONDO:0034022, OMIM 616471.
Inborn genetic diseases. Identifiers: MedGen C0950123, MeSH D030342.

Allele frequency attached by ClinVar (database versions not stated): gnomAD exomes 0.00001; ExAC 0.00002; TOPMed 0.00002; gnomAD 0.00003.
gnomAD v4.1: 16 of 1,610,910 alleles (0.00099%); highest among the groups gnomAD compares: African/African-American, 0.0013%; no homozygotes.

Submissions (3):

Labcorp Genetics (formerly Invitae), Labcorp
Classification: Uncertain significance for Bethlem myopathy 2; Ullrich congenital muscular dystrophy 2. Last evaluated: 2025-12-11. Review status: criteria provided, single submitter. Criteria: Invitae Variant Classification Sherloc (09022015). Collection method: clinical testing. Allele origin: germline.
Comment: This sequence change replaces threonine, which is neutral and polar, with alanine, which is neutral and non-polar, at codon 71 of the COL12A1 protein (p.Thr71Ala). This variant is present in population databases (rs775809424, gnomAD 0.002%). This variant has not been reported in the literature in individuals affected with COL12A1-related conditions. ClinVar contains an entry for this variant (Variation ID: 944906). Invitae Evidence Modeling of protein sequence and biophysical properties (such as structural, functional, and spatial information, amino acid conservation, physicochemical variation, residue mobility, and thermodynamic stability) indicates that this missense variant is not expected to disrupt COL12A1 protein function with a negative predictive value of 80%. In summary, the available evidence is currently insufficient to determine the role of this variant in disease. Therefore, it has been classified as a Variant of Uncertain Significance.

GeneDx
Classification: Uncertain significance. Last evaluated: 2025-02-25. Review status: criteria provided, single submitter. Criteria: GeneDx Variant Classification Process June 2021. Collection method: clinical testing. Allele origin: germline. Affected: yes.
Comment: Has not been previously published as pathogenic or benign to our knowledge; Not observed at significant frequency in large population cohorts (gnomAD); In silico analysis indicates that this missense variant does not alter protein structure/function

Ambry Genetics
Classification: Uncertain significance for Inborn genetic diseases. Last evaluated: 2023-04-13. Review status: criteria provided, single submitter. Criteria: Ambry Variant Classification Scheme 2023. Collection method: clinical testing. Allele origin: germline.

NM_004370.6(COL12A1):c.211A>G (p.Thr71Ala)

Gene: COL12A1 (collagen type XII alpha 1 chain; minus strand). Cytogenetic location: 6q13.
Variant type: single nucleotide variant.
Coding change: c.211A>G on transcript NM_004370.6 (MANE Select); coding-DNA position 211, A replaced by G.
Protein change: p.Thr71Ala; replaces threonine 71 with alanine.
Molecular consequence: missense variant. On other transcripts: intron variant (1).
Genome position (GRCh38, 1-based): chr6:75,192,335, T>C on the plus strand (A>G on the coding strand, the complement: COL12A1 is on the minus strand). VCF-style: chr6-75192335-T-C. GRCh37 (hg19) VCF-style: chr6-75902051-T-C.
Other names: c.73+10385A>G (NM_080645.3); short protein forms T71A.
Identifiers: ClinVar variation 944906 (VCV000944906.13), dbSNP rs775809424, ClinGen allele CA3894483.